The following is an entry in ClinVar:

ClinVar aggregate classification (germline): Uncertain significance (1 of 4 stars; one submission).

Conditions:
Primary ciliary dyskinesia. Also called: Ciliary dyskinesia. Identifiers: Orphanet 244, MedGen C0008780, MONDO:0016575, HP:0012265.

gnomAD v4.1: 12 of 1,613,834 alleles (0.00074%); highest among the groups gnomAD compares: Non-Finnish European, 0.001%; no homozygotes.

Submission:

Labcorp Genetics (formerly Invitae), Labcorp
Classification: Uncertain significance for Primary ciliary dyskinesia. Last evaluated: 2025-09-10. Review status: criteria provided, single submitter. Criteria: Invitae Variant Classification Sherloc (09022015). Collection method: clinical testing. Allele origin: germline.
Comment: This sequence change replaces lysine, which is basic and polar, with arginine, which is basic and polar, at codon 941 of the DNAH8 protein (p.Lys941Arg). This variant is present in population databases (rs751137902, gnomAD 0.0009%). This variant has not been reported in the literature in individuals affected with DNAH8-related conditions. ClinVar contains an entry for this variant (Variation ID: 3730529). Experimental studies and prediction algorithms are not available or were not evaluated, and the functional significance of this variant is currently unknown. In summary, the available evidence is currently insufficient to determine the role of this variant in disease. Therefore, it has been classified as a Variant of Uncertain Significance.

NM_001206927.2(DNAH8):c.2822A>G (p.Lys941Arg)

Gene: DNAH8 (dynein axonemal heavy chain 8; plus strand). Cytogenetic location: 6p21.2.
Variant type: single nucleotide variant.
Coding change: c.2822A>G on transcript NM_001206927.2 (MANE Select); coding-DNA position 2822, A replaced by G.
Protein change: p.Lys941Arg; replaces lysine 941 with arginine.
Molecular consequence: missense variant.
Genome position (GRCh38, 1-based): chr6:38,791,595, A>G. VCF-style: chr6-38791595-A-G. GRCh37 (hg19) VCF-style: chr6-38759371-A-G.
Other names: c.2171A>G, p.Lys724Arg (NM_001371.4); short protein forms K724R, K941R.
Identifiers: ClinVar variation 3730529 (VCV003730529.2).